The following is an entry in ClinVar:

NM_017635.5(KMT5B):c.2074G>A (p.Ala692Thr)

Gene: KMT5B (lysine methyltransferase 5B; minus strand). Cytogenetic location: 11q13.2.
Variant type: single nucleotide variant.
Coding change: c.2074G>A on transcript NM_017635.5 (MANE Select); coding-DNA position 2074, G replaced by A.
Protein change: p.Ala692Thr; replaces alanine 692 with threonine.
Molecular consequence: missense variant.
Genome position (GRCh38, 1-based): chr11:68,158,272, C>T on the plus strand (G>A on the coding strand, the complement: KMT5B is on the minus strand). VCF-style: chr11-68158272-C-T. GRCh37 (hg19) VCF-style: chr11-67925739-C-T.
Other names: c.1558G>A, p.Ala520Thr (NM_001369428.1, NM_001369429.1, NM_001369430.1 and 4 more transcripts); c.1354G>A, p.Ala452Thr (NM_001300908.2); c.2074G>A, p.Ala692Thr (NM_001369426.1); short protein forms A452T, A520T, A692T.
Identifiers: ClinVar variation 1341781 (VCV001341781.1), dbSNP rs2153040244, ClinGen allele CA381590154.
Genomic context (GRCh38, chr11:68,158,272, plus strand): 5'-TATTTTCTAGGATTAACTGTGCATCATACCTTGTGATTCGCCTCTTCTTTTTACTTTTTG[C>T]AGTTCTAAAGCTGTCTTTTGTTTTGAAGCTATCTGATGTCACAACTGAACAACCGACGGG-3'
Protein context (NP_060105.3, residues 682-702): SFKTKDSFRT[Ala692Thr]KSKKKRRITR

ClinVar aggregate classification (germline): Uncertain significance (1 of 4 stars; one submission).

Conditions:
Intellectual developmental disorder, autosomal dominant 51. Also called: MENTAL RETARDATION, AUTOSOMAL DOMINANT 51; Intellectual disability, autosomal dominant 51. Identifiers: Orphanet 684226, MedGen C4540474, MONDO:0030917, OMIM 617788.

gnomAD v4.1: 5 of 1,614,108 alleles (0.00031%); highest among the groups gnomAD compares: Non-Finnish European, 0.00042%; no homozygotes.

Submission:

New York Genome Center
Classification: Uncertain significance for Intellectual developmental disorder, autosomal dominant 51. Last evaluated: 2020-06-05. Review status: criteria provided, single submitter. Criteria: NYGC Assertion Criteria 2020. Collection method: clinical testing. Allele origin: inherited. Observed: 1 heterozygote. Study: CSER-NYCKidSeq.
Comment: The inherited heterozygous p.Ala692Thr variant identified in KMT5B has not been reported in affected individuals in the literature. The variant is absent from the gnomAD(v3) database indicating it is an extremely rare allele in the general population represented in the database. In silico tools provide conflicting interpretations about potential pathogenicity of this variant. Based on the available evidence, the inherited heterozygous p.Ala692Thr variant in the KMT5B gene is assessed as a variant of uncertain significance.